The following is an entry in ClinVar:

NM_006070.6(TFG):c.1051C>T (p.Pro351Ser)

Gene: TFG (trafficking from ER to golgi regulator; plus strand). Cytogenetic location: 3q12.2.
Variant type: single nucleotide variant.
Coding change: c.1051C>T on transcript NM_006070.6 (MANE Select); coding-DNA position 1051, C replaced by T.
Protein change: p.Pro351Ser; replaces proline 351 with serine.
Molecular consequence: missense variant.
Genome position (GRCh38, 1-based): chr3:100,748,379, C>T. VCF-style: chr3-100748379-C-T. GRCh37 (hg19) VCF-style: chr3-100467223-C-T.
Other names: c.1051C>T, p.Pro351Ser (NM_001007565.2, NM_001195478.2); c.1039C>T, p.Pro347Ser (NM_001195479.2); short protein forms P347S, P351S.
Identifiers: ClinVar variation 1522140 (VCV001522140.8), dbSNP rs2149106556, ClinGen allele CA353854319.

ClinVar aggregate classification (germline): Uncertain significance (1 of 4 stars; one submission).

Conditions:
Hereditary motor and sensory neuropathy, Okinawa type (HMSNO). Also called: HEREDITARY MOTOR AND SENSORY NEUROPATHY, PROXIMAL TYPE. Identifiers: Orphanet 90117, MedGen C1858338, MONDO:0011468, OMIM 604484.
Hereditary spastic paraplegia 57. Also called: Spastic paraplegia 57, autosomal recessive. Identifiers: Orphanet 431329, MedGen C3714897, MONDO:0014295, OMIM 615658.

Submission:

Labcorp Genetics (formerly Invitae), Labcorp
Classification: Uncertain significance for Hereditary motor and sensory neuropathy, Okinawa type; Hereditary spastic paraplegia 57. Last evaluated: 2021-02-07. Review status: criteria provided, single submitter. Criteria: Invitae Variant Classification Sherloc (09022015). Collection method: clinical testing. Allele origin: germline.
Comment: This sequence change replaces proline with serine at codon 351 of the TFG protein (p.Pro351Ser). The proline residue is highly conserved and there is a moderate physicochemical difference between proline and serine. This variant is not present in population databases (ExAC no frequency). This variant has not been reported in the literature in individuals with TFG-related conditions. Algorithms developed to predict the effect of missense changes on protein structure and function (SIFT, PolyPhen-2, Align-GVGD) all suggest that this variant is likely to be tolerated, but these predictions have not been confirmed by published functional studies and their clinical significance is uncertain. In summary, the available evidence is currently insufficient to determine the role of this variant in disease. Therefore, it has been classified as a Variant of Uncertain Significance.